The following is an entry in ClinVar:

NM_014241.4(HACD1):c.1A>G (p.Met1Val)

Genes: HACD1 (3-hydroxyacyl-CoA dehydratase 1; minus strand), LOC130003454 (ATAC-STARR-seq lymphoblastoid silent region 2183; plus strand). Cytogenetic location: 10p12.33.
Variant type: single nucleotide variant.
Coding change: c.1A>G on transcript NM_014241.4 (MANE Select); coding-DNA position 1, A replaced by G.
Protein change: p.Met1Val; changes the start codon (methionine 1).
Molecular consequence: missense variant, initiator codon variant.
Genome position (GRCh38, 1-based): chr10:17,617,339, T>C on the plus strand (A>G on the coding strand, the complement: HACD1 is on the minus strand). VCF-style: chr10-17617339-T-C. GRCh37 (hg19) VCF-style: chr10-17659338-T-C.
Other names: short protein forms M1V.
Identifiers: ClinVar variation 708080 (VCV000708080.12), dbSNP rs368871717, ClinGen allele CA5427429.

ClinVar aggregate classification (germline): Benign. Review status: criteria provided, single submitter (1 of 4 stars). 2 submissions from 2 submitters: Benign (1). 1 of the submissions does not count toward it. Last evaluated 2025-09-28.

Conditions:
HACD1-related disorder. Also called: HACD1-related condition.

Allele frequency attached by ClinVar (database versions not stated): ExAC below 0.00001; 1000 Genomes Project 0.00040; gnomAD 0.00083; TOPMed 0.00139; 1000 Genomes Project 30x 0.00156.

Submissions (2):

Labcorp Genetics (formerly Invitae), Labcorp
Classification: Benign. Last evaluated: 2025-09-28. Review status: criteria provided, single submitter. Criteria: Invitae Variant Classification Sherloc (09022015). Collection method: clinical testing. Allele origin: germline.

PreventionGenetics, part of Exact Sciences
Classification: Likely benign for HACD1-related condition. Last evaluated: 2021-02-15. Review status: no assertion criteria provided. Collection method: clinical testing. Allele origin: germline. Not counted in ClinVar's aggregate classification.
Comment: This variant is classified as likely benign based on ACMG/AMP sequence variant interpretation guidelines (Richards et al. 2015 PMID: 25741868, with internal and published modifications).